The following is an entry in ClinVar:

NM_000051.4(ATM):c.7760_7761insCAATAACTAAAAATGT (p.Val2587_Pro2588insAsnAsnTer)

Genes: ATM (ATM serine/threonine kinase; plus strand), C11orf65 (chromosome 11 open reading frame 65; minus strand). Cytogenetic location: 11q22.3.
Variant type: Insertion.
Coding change: c.7760_7761insCAATAACTAAAAATGT on transcript NM_000051.4 (MANE Select); coding-DNA positions 7760 to 7761, CAATAACTAAAAATGT inserted.
Protein change: p.Val2587_Pro2588insAsnAsnTer.
Molecular consequence: nonsense, inframe insertion. On other transcripts: intron variant (2).
Genome position: GRCh38 VCF-style: chr11-108331994-G-GAATAACTAAAAATGTC. GRCh37 (hg19) VCF-style: chr11-108202721-G-GAATAACTAAAAATGTC.
Other names: c.7760_7761insCAATAACTAAAAATGT, p.Val2587_Pro2588insAsnAsnTer (NM_001351834.2); c.641-22924_641-22923insACATTTTTAGTTATTG (NM_001330368.2); c.*38+3225_*38+3226insACATTTTTAGTTATTG (NM_001351110.2).
Identifiers: ClinVar variation 1072260 (VCV001072260.8), dbSNP rs2136525978, ClinGen allele CA2499220720.

ClinVar aggregate classification (germline): Pathogenic (1 of 4 stars; one submission).

Conditions:
Ataxia-telangiectasia syndrome (AT). Also called: Ataxia telangiectasia (A-T); ATAXIA-TELANGIECTASIA, COMPLEMENTATION GROUP A; ATAXIA-TELANGIECTASIA, FRESNO VARIANT; Ataxia-telangiectasia; Ataxia-telangiectasia, complementation group E; LOUIS-BAR SYNDROME. Identifiers: Orphanet 100, MedGen C0004135, MONDO:0008840, OMIM 208900.

Submission:

Labcorp Genetics (formerly Invitae), Labcorp
Classification: Pathogenic for Ataxia-telangiectasia syndrome. Last evaluated: 2024-04-10. Review status: criteria provided, single submitter. Criteria: Invitae Variant Classification Sherloc (09022015). Collection method: clinical testing. Allele origin: germline.
Comment: This sequence change creates a premature translational stop signal (p.Pro2588Asnfs*3) in the ATM gene. It is expected to result in an absent or disrupted protein product. Loss-of-function variants in ATM are known to be pathogenic (PMID: 23807571, 25614872). This variant is not present in population databases (gnomAD no frequency). This variant has not been reported in the literature in individuals affected with ATM-related conditions. ClinVar contains an entry for this variant (Variation ID: 1072260). For these reasons, this variant has been classified as Pathogenic.

Literature cited by the submitters: PubMed 23807571; PubMed 25614872.